The following is an entry in ClinVar:

ClinVar aggregate classification (germline): Conflicting classifications of pathogenicity. Review status: criteria provided, conflicting classifications (1 of 4 stars). 5 submissions from 5 submitters: Uncertain significance (3); Likely benign (2). Last evaluated 2026-03-06.

Conditions:
Arrhythmogenic cardiomyopathy with wooly hair and keratoderma. Also called: Dilated cardiomyopathy with woolly hair and keratoderma; Arrhythmogenic cardiomyopathy with woolly hair and keratoderma; PALMOPLANTAR KERATODERMA WITH LEFT VENTRICULAR CARDIOMYOPATHY AND WOOLLY HAIR; Carvajal syndrome. Identifiers: Orphanet 65282, MedGen C1854063, MONDO:0011581, OMIM 605676.
Arrhythmogenic right ventricular dysplasia 8 (ARVD8). Also called: Arrhythmogenic Right Ventricular Dysplasia/Cardiomyopathy 8; ARRHYTHMOGENIC RIGHT VENTRICULAR DYSPLASIA, FAMILIAL, 8; ARRHYTHMOGENIC RIGHT VENTRICULAR CARDIOMYOPATHY 8. Identifiers: MedGen C1843896, MONDO:0011831, OMIM 607450.
DSP-related disorder. Also called: DSP-related condition; DSP-related disorders.
Cardiovascular phenotype. Identifiers: MedGen CN230736.
Cardiomyopathy (CMYO). Also called: Cardiomyopathies. Identifiers: Orphanet 167848, MedGen C0878544, MONDO:0004994, HP:0001638. Inheritance: Various modes of inheritance.

Allele frequency attached by ClinVar (database versions not stated): gnomAD exomes below 0.00001; ExAC 0.00001; gnomAD 0.00002 and 0.00003; TOPMed 0.00005.
gnomAD v4.1: 8 of 1,614,086 alleles (0.0005%); highest among the groups gnomAD compares: African/African-American, 0.0093%; no homozygotes.

Submissions (5):

PreventionGenetics, part of Exact Sciences
Classification: Uncertain significance for DSP-related condition. Last evaluated: 2026-03-06. Review status: criteria provided, single submitter. Criteria: ACMG Guidelines, 2015. Collection method: clinical testing. Allele origin: germline.
Comment: The DSP c.5019A>T variant is predicted to result in the amino acid substitution p.Glu1673Asp. To our knowledge, this variant has not been reported in the literature. This variant is reported in 0.0063% of alleles in individuals of African descent in gnomAD. At this time, the clinical significance of this variant is uncertain due to the absence of conclusive functional and genetic evidence.

Ambry Genetics
Classification: Likely benign for Cardiovascular phenotype. Last evaluated: 2026-02-24. Review status: criteria provided, single submitter. Criteria: Ambry Variant Classification Scheme 2023. Collection method: clinical testing. Allele origin: germline.

Labcorp Genetics (formerly Invitae), Labcorp
Classification: Likely benign for Arrhythmogenic cardiomyopathy with wooly hair and keratoderma; Arrhythmogenic right ventricular dysplasia 8. Last evaluated: 2025-12-04. Review status: criteria provided, single submitter. Criteria: Invitae Variant Classification Sherloc (09022015). Collection method: clinical testing. Allele origin: germline.

Color Diagnostics, LLC DBA Color Health
Classification: Uncertain significance for Cardiomyopathy. Last evaluated: 2024-03-07. Review status: criteria provided, single submitter. Criteria: ACMG Guidelines, 2015. Collection method: clinical testing. Allele origin: germline.
Comment: This missense variant replaces glutamic acid with aspartic acid at codon 1673 of the DSP protein. Computational prediction suggests that this variant may not impact protein structure and function (internally defined REVEL score threshold <= 0.5, PMID: 27666373). To our knowledge, functional studies have not been reported for this variant. This variant has not been reported in individuals affected with cardiovascular disorders in the literature. This variant has been identified in 1/250882 chromosomes in the general population by the Genome Aggregation Database (gnomAD). The available evidence is insufficient to determine the role of this variant in disease conclusively. Therefore, this variant is classified as a Variant of Uncertain Significance.

All of Us Research Program, National Institutes of Health
Classification: Uncertain significance for Arrhythmogenic cardiomyopathy with wooly hair and keratoderma. Last evaluated: 2024-01-11. Review status: criteria provided, single submitter. Criteria: ACMG Guidelines, 2015. Collection method: clinical testing. Allele origin: germline. Inheritance: Autosomal dominant inheritance. Observed: 2 variant alleles, 2 heterozygotes.
Comment: This study involves interpretation of variants in research participants for the purpose of population health screening. Participant phenotype was not available at the time of variant classification. Additional details can be found in publication PMID: 35346344, PMCID: PMC8962531

NM_004415.4(DSP):c.5019A>T (p.Glu1673Asp)

Gene: DSP (desmoplakin; plus strand). Cytogenetic location: 6p24.3.
Variant type: single nucleotide variant.
Coding change: c.5019A>T on transcript NM_004415.4 (MANE Select); coding-DNA position 5019, A replaced by T.
Protein change: p.Glu1673Asp; replaces glutamic acid 1673 with aspartic acid.
Molecular consequence: missense variant. On other transcripts: intron variant (2).
Genome position (GRCh38, 1-based): chr6:7,581,209, A>T. VCF-style: chr6-7581209-A-T. GRCh37 (hg19) VCF-style: chr6-7581442-A-T.
Other names: c.5019A>T (NM_004415.3, LRG_423t1); c.4050+969A>T (NM_001319034.2); c.3583-1433A>T (NM_001008844.3); short protein forms E1673D.
Identifiers: ClinVar variation 570496 (VCV000570496.15), dbSNP rs773113214, ClinGen allele CA043654.